The following is an entry in ClinVar:

ClinVar aggregate classification (germline): Conflicting classifications of pathogenicity. Review status: criteria provided, conflicting classifications (1 of 4 stars). 2 submissions from 2 submitters: Uncertain significance (1); Likely benign (1). Last evaluated 2026-01-02.

Allele frequency attached by ClinVar (database versions not stated): ExAC 0.00001.
gnomAD v4.1: 8 of 1,207,228 alleles (0.00066%); highest among the groups gnomAD compares: Non-Finnish European, 0.0009%; no homozygotes.

Submissions (2):

Labcorp Genetics (formerly Invitae), Labcorp
Classification: Uncertain significance. Last evaluated: 2026-01-02. Review status: criteria provided, single submitter. Criteria: Invitae Variant Classification Sherloc (09022015). Collection method: clinical testing. Allele origin: germline.
Comment: This sequence change replaces glycine, which is neutral and non-polar, with valine, which is neutral and non-polar, at codon 788 of the CACNA1F protein (p.Gly788Val). This variant is present in population databases (rs782183517, gnomAD 0.003%). This variant has not been reported in the literature in individuals affected with CACNA1F-related conditions. ClinVar contains an entry for this variant (Variation ID: 1949082). Invitae Evidence Modeling of protein sequence and biophysical properties (such as structural, functional, and spatial information, amino acid conservation, physicochemical variation, residue mobility, and thermodynamic stability) indicates that this missense variant is not expected to disrupt CACNA1F protein function with a negative predictive value of 80%. In summary, the available evidence is currently insufficient to determine the role of this variant in disease. Therefore, it has been classified as a Variant of Uncertain Significance.

CeGaT Center for Human Genetics Tuebingen
Classification: Likely benign. Last evaluated: 2025-10-01. Review status: criteria provided, single submitter. Criteria: CeGaT Center For Human Genetics Tuebingen Variant Classification Criteria Version 2. Collection method: clinical testing. Allele origin: germline. Affected: yes. Observed: 1 variant allele.
Comment: CACNA1F: BS2

NM_001256789.3(CACNA1F):c.2330G>T (p.Gly777Val)

Gene: CACNA1F (calcium voltage-gated channel subunit alpha1 F; minus strand). Cytogenetic location: Xp11.23.
Variant type: single nucleotide variant.
Coding change: c.2330G>T on transcript NM_001256789.3 (MANE Select); coding-DNA position 2330, G replaced by T.
Protein change: p.Gly777Val; replaces glycine 777 with valine.
Molecular consequence: missense variant.
Genome position (GRCh38, 1-based): chrX:49,221,039, C>A on the plus strand (G>T on the coding strand, the complement: CACNA1F is on the minus strand). VCF-style: chrX-49221039-C-A. GRCh37 (hg19) VCF-style: chrX-49077498-C-A.
Other names: c.2168G>T, p.Gly723Val (NM_001256790.3); c.2363G>T, p.Gly788Val (NM_005183.4); short protein forms G723V, G777V, G788V.
Identifiers: ClinVar variation 1949082 (VCV001949082.11), dbSNP rs782183517, ClinGen allele CA10410708.
Genomic context (GRCh38, chrX:49,221,039, plus strand): 5'-TAGACAGGTAGTGGTGGGAGTGGGAGGTGTAGACAGTGCCCAGGCATCTAACTCACCAGG[C>A]CTTCATTCTCCTGTGGGAGATCCTTCTCATTGCTCTTCTCCCTGTGCGAGGAAATAGGGG-3'
Protein context (NP_001243718.1, residues 767-787): NEKDLPQENE[Gly777Val]LVPGVEKEEE